The following is an entry in ClinVar:

NM_014000.3(VCL):c.709dup (p.Met237fs)

Gene: VCL (vinculin; plus strand). Cytogenetic location: 10q22.2.
Variant type: Duplication.
Coding change: c.709dup on transcript NM_014000.3 (MANE Select); coding-DNA position 709, one base duplicated (A; older notation c.709dupA).
Protein change: p.Met237fs; shifts the reading frame from methionine 237.
Molecular consequence: frameshift variant.
Genome position (GRCh38, 1-based): chr10:74,074,829, A duplicated; the last of 6 consecutive A bases (chr10:74,074,824-74,074,829); duplicating any one gives the same sequence. VCF-style (leftmost placement, unchanged base first): chr10-74074823-G-GA. GRCh37 (hg19) VCF-style: chr10-75834581-G-GA.
Other names: c.709dupA (NM_014000.2); c.709dup, p.Met237fs (NM_003373.4); short protein forms M237fs.
Identifiers: ClinVar variation 1757138 (VCV001757138.4), dbSNP rs2549214790, ClinGen allele CA2580081942.

ClinVar aggregate classification (germline): Uncertain significance. Review status: criteria provided, multiple submitters, no conflicts (2 of 4 stars). 2 submissions from 2 submitters: Uncertain significance (2). Last evaluated 2024-10-06.

Conditions:
Cardiovascular phenotype. Identifiers: MedGen CN230736.
Dilated cardiomyopathy 1W (CMD1W). Identifiers: Orphanet 154, MedGen C1969639, MONDO:0012667, OMIM 611407.

Submissions (2):

Labcorp Genetics (formerly Invitae), Labcorp
Classification: Uncertain significance for Dilated cardiomyopathy 1W. Last evaluated: 2024-10-06. Review status: criteria provided, single submitter. Criteria: Invitae Variant Classification Sherloc (09022015). Collection method: clinical testing. Allele origin: germline.
Comment: This sequence change creates a premature translational stop signal (p.Met237Asnfs*4) in the VCL gene. It is expected to result in an absent or disrupted protein product. However, the current clinical and genetic evidence is not sufficient to establish whether loss-of-function variants in VCL cause disease. This variant is not present in population databases (gnomAD no frequency). This variant has not been reported in the literature in individuals affected with VCL-related conditions. ClinVar contains an entry for this variant (Variation ID: 1757138). In summary, the available evidence is currently insufficient to determine the role of this variant in disease. Therefore, it has been classified as a Variant of Uncertain Significance.

Ambry Genetics
Classification: Uncertain significance for Cardiovascular phenotype. Last evaluated: 2021-09-30. Review status: criteria provided, single submitter. Criteria: Ambry Variant Classification Scheme 2023. Collection method: clinical testing. Allele origin: germline.
Comment: The c.709dupA variant, located in coding exon 6 of the VCL gene, results from a duplication of A at nucleotide position 709, causing a translational frameshift with a predicted alternate stop codon (p.M237Nfs*4). This alteration is expected to result in premature protein truncation or nonsense-mediated mRNA decay. However, loss of function of VCL has not been clearly established as a mechanism of disease. Since supporting evidence is limited at this time, the clinical significance of this alteration remains unclear.